The following is an entry in ClinVar:

ClinVar aggregate classification (germline): Uncertain significance. Review status: criteria provided, multiple submitters, no conflicts (2 of 4 stars). 4 submissions from 4 submitters: Uncertain significance (4). Last evaluated 2025-11-10.

Conditions:
Tuberous sclerosis 2 (TSC2). Identifiers: Orphanet 805, MedGen C1860707, MONDO:0013199, OMIM 613254.
Hereditary cancer-predisposing syndrome. Also called: Neoplastic Syndromes, Hereditary; Hereditary neoplastic syndrome; Hereditary Cancer Syndrome; Tumor predisposition. Identifiers: Orphanet 140162, MedGen C0027672, MeSH D009386, MONDO:0015356.

Allele frequency attached by ClinVar (database versions not stated): TOPMed 0.00001.

Submissions (4):

Labcorp Genetics (formerly Invitae), Labcorp
Classification: Uncertain significance for Tuberous sclerosis 2. Last evaluated: 2025-11-10. Review status: criteria provided, single submitter. Criteria: Invitae Variant Classification Sherloc (09022015). Collection method: clinical testing. Allele origin: germline.
Comment: This sequence change replaces alanine, which is neutral and non-polar, with threonine, which is neutral and polar, at codon 1153 of the TSC2 protein (p.Ala1153Thr). This variant is not present in population databases (gnomAD no frequency). This variant has not been reported in the literature in individuals affected with TSC2-related conditions. ClinVar contains an entry for this variant (Variation ID: 947319). Invitae Evidence Modeling of protein sequence and biophysical properties (such as structural, functional, and spatial information, amino acid conservation, physicochemical variation, residue mobility, and thermodynamic stability) indicates that this missense variant is not expected to disrupt TSC2 protein function with a negative predictive value of 95%. In summary, the available evidence is currently insufficient to determine the role of this variant in disease. Therefore, it has been classified as a Variant of Uncertain Significance.

Ambry Genetics
Classification: Uncertain significance for Hereditary cancer-predisposing syndrome. Last evaluated: 2025-02-05. Review status: criteria provided, single submitter. Criteria: Ambry Variant Classification Scheme 2023. Collection method: clinical testing. Allele origin: germline.
Comment: The p.A1153T variant (also known as c.3457G>A), located in coding exon 29 of the TSC2 gene, results from a G to A substitution at nucleotide position 3457. The alanine at codon 1153 is replaced by threonine, an amino acid with similar properties. This amino acid position is conserved. In addition, this alteration is predicted to be tolerated by in silico analysis. Based on the available evidence, the clinical significance of this variant remains unclear.

Genome-Nilou Lab
Classification: Uncertain significance for Tuberous sclerosis 2. Last evaluated: 2021-11-07. Review status: criteria provided, single submitter. Criteria: ACMG Guidelines, 2015. Collection method: clinical testing. Allele origin: germline. Affected: no.

GeneDx
Classification: Uncertain significance. Last evaluated: 2018-02-09. Review status: criteria provided, single submitter. Criteria: GeneDx Variant Classification Process June 2021. Collection method: clinical testing. Allele origin: germline. Affected: yes.
Comment: Not observed in large population cohorts (Lek 2016); In silico analysis supports that this missense variant does not alter protein structure/function; Has not been previously published as pathogenic or benign to our knowledge

NM_000548.5(TSC2):c.3457G>A (p.Ala1153Thr)

Gene: TSC2 (TSC complex subunit 2; plus strand). Cytogenetic location: 16p13.3.
Variant type: single nucleotide variant.
Coding change: c.3457G>A on transcript NM_000548.5 (MANE Select); coding-DNA position 3457, G replaced by A.
Protein change: p.Ala1153Thr; replaces alanine 1153 with threonine.
Molecular consequence: missense variant.
Genome position (GRCh38, 1-based): chr16:2,080,224, G>A. VCF-style: chr16-2080224-G-A. GRCh37 (hg19) VCF-style: chr16-2130225-G-A.
Other names: c.3325G>A, p.Ala1109Thr (NM_001077183.3, NM_001370404.1); c.3457G>A, p.Ala1153Thr (NM_001114382.3); c.3217G>A, p.Ala1073Thr (NM_001318827.2); c.3181G>A, p.Ala1061Thr (NM_001318829.2); c.2725G>A, p.Ala909Thr (NM_001318831.2); c.3358G>A, p.Ala1120Thr (NM_001318832.2); c.3328G>A, p.Ala1110Thr (NM_001363528.2, NM_001370405.1, NM_021055.3); short protein forms A1073T, A1109T, A1153T, A1061T, A1110T, A1120T, A909T.
Identifiers: ClinVar variation 947319 (VCV000947319.14), dbSNP rs1352230225, ClinGen allele CA394288824.